The following is an entry in ClinVar:

NM_007186.6(CEP250):c.5813G>A (p.Arg1938Gln)

Gene: CEP250 (centrosomal protein 250; plus strand). Cytogenetic location: 20q11.22.
Variant type: single nucleotide variant.
Coding change: c.5813G>A on transcript NM_007186.6 (MANE Select); coding-DNA position 5813, G replaced by A.
Protein change: p.Arg1938Gln; replaces arginine 1938 with glutamine.
Molecular consequence: missense variant.
Genome position (GRCh38, 1-based): chr20:35,504,182, G>A. VCF-style: chr20-35504182-G-A. GRCh37 (hg19) VCF-style: chr20-34092010-G-A.
Other names: c.5813G>A (NM_007186.5); c.3917G>A, p.Arg1306Gln (NM_001318219.1); short protein forms R1306Q, R1938Q.
Identifiers: ClinVar variation 1369279 (VCV001369279.7), dbSNP rs767687865, ClinGen allele CA408754777.
Genomic context (GRCh38, chr20:35,504,182, plus strand): 5'-AGGTGGAGACCAGGGCCCTGCAGGACAGCTGGCTGCAGGCCCAGGCAGTGCTCAAGGAAC[G>A]GGACCAGGAGCTGGAAGCTCTGCGGGCAGAAAGTCAGTCCTCCCGGCATCAGGAGGAGGC-3'
Protein context (NP_009117.2, residues 1928-1948): WLQAQAVLKE[Arg1938Gln]DQELEALRAE

ClinVar aggregate classification (germline): Uncertain significance. Review status: criteria provided, multiple submitters, no conflicts (2 of 4 stars). 2 submissions from 2 submitters: Uncertain significance (2). Last evaluated 2026-03-11.

Conditions:
CEP250-related disorder. Also called: CEP250-related condition.

Allele frequency attached by ClinVar (database versions not stated): gnomAD 0.00001.
gnomAD v4.1: 11 of 1,613,532 alleles (0.00068%); highest among the groups gnomAD compares: Admixed American, 0.0033%; no homozygotes.

Submissions (2):

PreventionGenetics, part of Exact Sciences
Classification: Uncertain significance for CEP250-related condition. Last evaluated: 2026-03-11. Review status: criteria provided, single submitter. Criteria: ACMG Guidelines, 2015. Collection method: clinical testing. Allele origin: germline.
Comment: The CEP250 c.5813G>A variant is predicted to result in the amino acid substitution p.Arg1938Gln. To our knowledge, this variant has not been reported in the literature. This variant is reported in 0.0033% of alleles in individuals of South Asian descent in gnomAD. At this time, the clinical significance of this variant is uncertain due to the absence of conclusive functional and genetic evidence.

Labcorp Genetics (formerly Invitae), Labcorp
Classification: Uncertain significance. Last evaluated: 2025-02-19. Review status: criteria provided, single submitter. Criteria: Invitae Variant Classification Sherloc (09022015). Collection method: clinical testing. Allele origin: germline.
Comment: This sequence change replaces arginine with glutamine at codon 1938 of the CEP250 protein (p.Arg1938Gln). The arginine residue is weakly conserved and there is a small physicochemical difference between arginine and glutamine. The frequency data for this variant in the population databases is considered unreliable, as metrics indicate poor data quality at this position in the gnomAD database. This variant has not been reported in the literature in individuals affected with CEP250-related conditions. ClinVar contains an entry for this variant (Variation ID: 1369279). An algorithm developed to predict the effect of missense changes on protein structure and function outputs the following: PolyPhen-2: "Benign". The glutamine amino acid residue is found in multiple mammalian species, which suggests that this missense change does not adversely affect protein function. In summary, the available evidence is currently insufficient to determine the role of this variant in disease. Therefore, it has been classified as a Variant of Uncertain Significance.